The following is an entry in ClinVar:

NM_001690.4(ATP6V1A):c.845A>G (p.Asn282Ser)

Gene: ATP6V1A (ATPase H+ transporting V1 subunit A; plus strand). Cytogenetic location: 3q13.31.
Variant type: single nucleotide variant.
Coding change: c.845A>G on transcript NM_001690.4 (MANE Select); coding-DNA position 845, A replaced by G.
Protein change: p.Asn282Ser; replaces asparagine 282 with serine.
Molecular consequence: missense variant.
Genome position (GRCh38, 1-based): chr3:113,788,841, A>G. VCF-style: chr3-113788841-A-G. GRCh37 (hg19) VCF-style: chr3-113507688-A-G.
Other names: short protein forms N282S.
Identifiers: ClinVar variation 3369870 (VCV003369870.1).

ClinVar aggregate classification (germline): Uncertain significance (1 of 4 stars; one submission).

Submission:

GeneDx
Classification: Uncertain significance. Last evaluated: 2024-02-26. Review status: criteria provided, single submitter. Criteria: GeneDx Variant Classification Process June 2021. Collection method: clinical testing. Allele origin: germline. Affected: yes.
Comment: Not observed at significant frequency in large population cohorts (gnomAD); In silico analysis supports that this missense variant has a deleterious effect on protein structure/function; Has not been previously published as pathogenic or benign to our knowledge